The following is an entry in ClinVar:

ClinVar aggregate classification (germline): Uncertain significance (1 of 4 stars; one submission).

Conditions:
Gabriele de Vries syndrome. Identifiers: Orphanet 506358, MedGen C4479652, MONDO:0044738, OMIM 617557.

Allele frequency attached by ClinVar (database versions not stated): gnomAD exomes below 0.00001.
gnomAD v4.1: 4 of 1,614,236 alleles (0.00025%); highest among the groups gnomAD compares: Non-Finnish European, 0.00017%; no homozygotes.

Submission:

Baylor Genetics
Classification: Uncertain significance for Gabriele de Vries syndrome. Last evaluated: 2018-02-13. Review status: criteria provided, single submitter. Criteria: ACMG Guidelines, 2015. Collection method: clinical testing. Allele origin: unknown. Affected: yes.
Comment: This variant was determined to be of uncertain significance according to ACMG Guidelines, 2015 [PMID:25741868].

NM_003403.5(YY1):c.1032A>G (p.Gln344=)

Gene: YY1 (YY1 transcription factor; plus strand). Cytogenetic location: 14q32.2.
Variant type: single nucleotide variant.
Coding change: c.1032A>G on transcript NM_003403.5 (MANE Select); coding-DNA position 1032, A replaced by G.
Protein change: p.Gln344=; no amino-acid change (glutamine 344 retained).
Molecular consequence: synonymous variant.
Genome position (GRCh38, 1-based): chr14:100,276,618, A>G. VCF-style: chr14-100276618-A-G. GRCh37 (hg19) VCF-style: chr14-100742955-A-G.
Identifiers: ClinVar variation 1032129 (VCV001032129.1), dbSNP rs1891321521, ClinGen allele CA487885581.